The following is an entry in ClinVar:

NM_031407.7(HUWE1):c.1051G>A (p.Gly351Arg)

Gene: HUWE1 (HECT, UBA and WWE domain containing E3 ubiquitin protein ligase 1; minus strand). Cytogenetic location: Xp11.22.
Variant type: single nucleotide variant.
Coding change: c.1051G>A on transcript NM_031407.7 (MANE Select); coding-DNA position 1051, G replaced by A.
Protein change: p.Gly351Arg; replaces glycine 351 with arginine.
Molecular consequence: missense variant.
Genome position (GRCh38, 1-based): chrX:53,628,815, C>T on the plus strand (G>A on the coding strand, the complement: HUWE1 is on the minus strand). VCF-style: chrX-53628815-C-T. GRCh37 (hg19) VCF-style: chrX-53655766-C-T.
Other names: short protein forms G351R.
Identifiers: ClinVar variation 3373410 (VCV003373410.1).

ClinVar aggregate classification (germline): Uncertain significance (1 of 4 stars; one submission).

Submission:

GeneDx
Classification: Uncertain significance. Last evaluated: 2024-05-01. Review status: criteria provided, single submitter. Criteria: GeneDx Variant Classification Process June 2021. Collection method: clinical testing. Allele origin: germline. Affected: yes.
Comment: Not observed at significant frequency in large population cohorts (gnomAD); In silico analysis supports that this missense variant has a deleterious effect on protein structure/function; Has not been previously published as pathogenic or benign to our knowledge